The following is an entry in ClinVar:

ClinVar aggregate classification (germline): Uncertain significance. Review status: criteria provided, multiple submitters, no conflicts (2 of 4 stars). 2 submissions from 2 submitters: Uncertain significance (2). Last evaluated 2025-08-07.

Conditions:
Perlman syndrome (PRLMNS). Identifiers: Orphanet 2849, MedGen C0796113, MONDO:0009965, OMIM 267000.

Allele frequency attached by ClinVar (database versions not stated): TOPMed below 0.00001; ExAC 0.00001; gnomAD exomes 0.00001 and 0.00002.
gnomAD v4.1: 21 of 1,612,616 alleles (0.0013%); highest among the groups gnomAD compares: Admixed American, 0.0033%; no homozygotes.

Submissions (2):

Labcorp Genetics (formerly Invitae), Labcorp
Classification: Uncertain significance for Perlman syndrome. Last evaluated: 2025-08-07. Review status: criteria provided, single submitter. Criteria: Invitae Variant Classification Sherloc (09022015). Collection method: clinical testing. Allele origin: germline.
Comment: This sequence change replaces leucine, which is neutral and non-polar, with proline, which is neutral and non-polar, at codon 679 of the DIS3L2 protein (p.Leu679Pro). This variant is present in population databases (rs777508887, gnomAD 0.006%). This variant has not been reported in the literature in individuals affected with DIS3L2-related conditions. ClinVar contains an entry for this variant (Variation ID: 410735). An algorithm developed to predict the effect of missense changes on protein structure and function (PolyPhen-2) suggests that this variant is likely to be tolerated. In summary, the available evidence is currently insufficient to determine the role of this variant in disease. Therefore, it has been classified as a Variant of Uncertain Significance.

Fulgent Genetics
Classification: Uncertain significance for Perlman syndrome. Last evaluated: 2024-02-07. Review status: criteria provided, single submitter. Criteria: ACMG Guidelines, 2015. Collection method: clinical testing. Allele origin: germline.

NM_152383.5(DIS3L2):c.2036T>C (p.Leu679Pro)

Gene: DIS3L2 (DIS3 like 3'-5' exoribonuclease 2; plus strand). Cytogenetic location: 2q37.1.
Variant type: single nucleotide variant.
Coding change: c.2036T>C on transcript NM_152383.5 (MANE Select); coding-DNA position 2036, T replaced by C.
Protein change: p.Leu679Pro; replaces leucine 679 with proline.
Molecular consequence: missense variant. On other transcripts: non-coding transcript variant (2), intron variant (1).
Genome position (GRCh38, 1-based): chr2:232,333,865, T>C. VCF-style: chr2-232333865-T-C. GRCh37 (hg19) VCF-style: chr2-233198575-T-C.
Other names: c.1582-9480T>C (NM_001257281.2); short protein forms L679P.
Identifiers: ClinVar variation 410735 (VCV000410735.10), dbSNP rs777508887, ClinGen allele CA2164379.